The following is an entry in ClinVar:

ClinVar aggregate classification (germline): Pathogenic (1 of 4 stars; one submission).

Conditions:
Ehlers-Danlos syndrome due to tenascin-X deficiency (EDSCLL1). Also called: EDS DUE TO TNX DEFICIENCY; TNX DEFICIENCY; Ehlers-Danlos syndrome, classic-like, 1; EHLERS-DANLOS SYNDROME, CLASSIC-LIKE; TNXB-Related Classical-Like Ehlers-Danlos Syndrome. Identifiers: Orphanet 230839, MedGen C1848029, MONDO:0011670, OMIM 606408.

Submission:

Myriad Genetics, Inc.
Classification: Pathogenic for Ehlers-Danlos syndrome due to tenascin-X deficiency. Last evaluated: 2026-01-30. Review status: criteria provided, single submitter. Criteria: Myriad Autosomal Dominant, Autosomal Recessive and X-Linked Classification Criteria (2023). Collection method: clinical testing. Allele origin: unknown.
Comment: NM_019105.6(TNXB):c.2881dupC(Q961Pfs*13) is expected to be pathogenic in the context of classical-like Ehlers-Danlos syndrome, TNXB-related. This variant is predicted to lead to an abnormal or absent protein product due to the creation of a premature termination codon in TNXB, a gene where loss-of-function variants are known to be pathogenic. Please note: this variant was assessed in the context of healthy population screening.

NM_001365276.2(TNXB):c.2881dup (p.Gln961fs)

Gene: TNXB (tenascin XB; minus strand). Cytogenetic location: 6p21.33.
Variant type: Duplication.
Coding change: c.2881dup on transcript NM_001365276.2 (MANE Select); coding-DNA position 2881, one base duplicated (C; older notation c.2881dupC).
Protein change: p.Gln961fs; shifts the reading frame from glutamine 961.
Molecular consequence: frameshift variant.
Genome position (GRCh38, 1-based): chr6:32,086,017, G duplicated on the plus strand (C on the coding strand, the reverse complement: TNXB is on the minus strand); the first of 5 consecutive G bases (chr6:32,086,017-32,086,021); duplicating any one gives the same sequence. VCF-style (leftmost placement, unchanged base first): chr6-32086016-T-TG. GRCh37 (hg19) VCF-style: chr6-32053793-T-TG.
Other names: c.3622dup, p.Gln1208fs (NM_001428335.1); c.2881dup, p.Gln961fs (NM_019105.8); short protein forms Q1208fs, Q961fs.
Identifiers: ClinVar variation 5015501 (VCV005015501.1).
Genomic context (GRCh38, chr6:32,086,016, plus strand): 5'-CAGACCACACGGAGGCGCCCTGTCTCATCTCTGCCCAGCACCCTCAACTCTCCCAGCTCC[T>TG]GGGGGCGCTGCTGCAGGAGAGGAGCCTGGGCCCCTTGCGTCGTCGAGGGGCCTGAGGGAG-3'